The following is an entry in ClinVar:

NM_033087.4(ALG2):c.1156_1162del (p.Met386fs)

Gene: ALG2 (ALG2 alpha-1,3/1,6-mannosyltransferase; minus strand). Cytogenetic location: 9q22.33.
Variant type: Deletion.
Coding change: c.1156_1162del on transcript NM_033087.4 (MANE Select); coding-DNA positions 1156 to 1162, 7 bases deleted (ATGGGCC; older notation c.1156_1162delATGGGCC).
Protein change: p.Met386fs; shifts the reading frame from methionine 386.
Molecular consequence: frameshift variant. On other transcripts: non-coding transcript variant (1).
Genome position (GRCh38, 1-based): chr9:99,218,023-99,218,029, GGCCCAT deleted on the plus strand (ATGGGCC on the coding strand, the reverse complement: ALG2 is on the minus strand); deleting any 7 consecutive bases within chr9:99,218,023-99,218,031 gives the same sequence; the c. name uses the placement nearest the transcript's 3' end. VCF-style (leftmost placement, unchanged base first): chr9-99218022-AGGCCCAT-A. GRCh37 (hg19) VCF-style: chr9-101980304-AGGCCCAT-A.
Other names: short protein forms M386fs.
Identifiers: ClinVar variation 1053713 (VCV001053713.7), dbSNP rs2118997596, ClinGen allele CA2499220114.

ClinVar aggregate classification (germline): Uncertain significance (1 of 4 stars; one submission).

Conditions:
Congenital myasthenic syndrome 14. Also called: Myasthenic syndrome, congenital, 14, with tubular aggregates. Identifiers: Orphanet 353327, Orphanet 590, MedGen C4015597, MONDO:0014543, OMIM 616228.
Congenital disorder of glycosylation, type Ii. Also called: ALG2-CDG; CDG Ii; ALG2-congenital disorder of glycosylation. Identifiers: Orphanet 79326, MedGen C1842836, MONDO:0011933, OMIM 607906.

Submission:

Labcorp Genetics (formerly Invitae), Labcorp
Classification: Uncertain significance for Congenital disorder of glycosylation, type Ii; Congenital myasthenic syndrome 14. Last evaluated: 2025-02-17. Review status: criteria provided, single submitter. Criteria: Invitae Variant Classification Sherloc (09022015). Collection method: clinical testing. Allele origin: germline.
Comment: This sequence change creates a premature translational stop signal (p.Met386Trpfs*7) in the ALG2 gene. While this is not anticipated to result in nonsense mediated decay, it is expected to disrupt the last 31 amino acid(s) of the ALG2 protein. This variant is not present in population databases (gnomAD no frequency). This variant has not been reported in the literature in individuals affected with ALG2-related conditions. ClinVar contains an entry for this variant (Variation ID: 1053713). Experimental studies and prediction algorithms are not available or were not evaluated, and the functional significance of this variant is currently unknown. In summary, the available evidence is currently insufficient to determine the role of this variant in disease. Therefore, it has been classified as a Variant of Uncertain Significance.